The following is an entry in ClinVar:

NM_003331.5(TYK2):c.3310C>G (p.Pro1104Ala)

Gene: TYK2 (tyrosine kinase 2; minus strand). Cytogenetic location: 19p13.2.
Variant type: single nucleotide variant.
Coding change: c.3310C>G on transcript NM_003331.5 (MANE Select); coding-DNA position 3310, C replaced by G.
Protein change: p.Pro1104Ala; replaces proline 1104 with alanine.
Molecular consequence: missense variant.
Genome position (GRCh38, 1-based): chr19:10,352,442, G>C on the plus strand (C>G on the coding strand, the complement: TYK2 is on the minus strand). VCF-style: chr19-10352442-G-C. GRCh37 (hg19) VCF-style: chr19-10463118-G-C.
Other names: p.P1104A:CCC>GCC; TYK2, PRO1104ALA (rs34536443); c.3310C>G (LRG_121t1); short protein forms P1104A.
Identifiers: ClinVar variation 137869 (VCV000137869.21), dbSNP rs34536443, ClinGen allele CA291554.
Genomic context (GRCh38, chr19:10,352,442, plus strand): 5'-CTTTCTAATTGCTCTAGCAAACTCCCGGTGGGGCTGCGGGCCTGGCTCTCACCGTGGGGG[G>C]GCTCTGGCTGGAGTCACAGTGCGTCAGCAGCTCATACAGGGTCACCCCGAAGGACCAGAC-3'
Protein context (NP_003322.3, residues 1094-1114): LLTHCDSSQS[Pro1104Ala]PTKFLELIGI

ClinVar aggregate classification (germline): Benign/Likely benign. Review status: criteria provided, multiple submitters, no conflicts (2 of 4 stars). 9 submissions from 9 submitters: Benign (4); Likely benign (2). 3 of the submissions do not count toward it. Last evaluated 2026-02-04.

Conditions:
Immunodeficiency 35 (IMD35). Also called: Susceptibility to infection due to TYK2 deficiency; TYK2 DEFICIENCY; HIES WITH ATYPICAL MYCOBACTERIOSIS, AUTOSOMAL RECESSIVE; HYPER-IgE SYNDROME WITH ATYPICAL MYCOBACTERIOSIS, AUTOSOMAL RECESSIVE. Identifiers: Orphanet 331226, MedGen C1969086, MONDO:0012682, OMIM 611521.

Allele frequency attached by ClinVar (database versions not stated): 1000 Genomes Project 30x 0.01093; TOPMed 0.02616; 1000 Genomes Project 0.01018; gnomAD exomes 0.02680; ExAC 0.02734; gnomAD 0.02802 and 0.02850; ESP Exome Variant Server 0.02899.
gnomAD v4.1: 59,598 of 1,607,098 alleles (3.7%); highest among the groups gnomAD compares: Non-Finnish European, 4.5%; 1,233 homozygotes.

Submissions (9):

Labcorp Genetics (formerly Invitae), Labcorp
Classification: Benign for Immunodeficiency 35. Last evaluated: 2026-02-04. Review status: criteria provided, single submitter. Criteria: Invitae Variant Classification Sherloc (09022015). Collection method: clinical testing. Allele origin: germline.

Mayo Clinic Laboratories, Mayo Clinic
Classification: Benign. Last evaluated: 2024-07-23. Review status: criteria provided, single submitter. Criteria: ACMG Guidelines, 2015. Collection method: clinical testing. Allele origin: germline. Observed: 7 variant alleles.
Comment: BS1, BS2

Illumina Laboratory Services, Illumina
Classification: Likely benign for Immunodeficiency 35. Last evaluated: 2017-04-27. Review status: criteria provided, single submitter. Criteria: ICSL Variant Classification Criteria 13 December 2019. Collection method: clinical testing. Allele origin: germline.
Comment: This variant was observed as part of a predisposition screen in an ostensibly healthy population. A literature search was performed for the gene, cDNA change, and amino acid change (where applicable). No publications were found based on this search. Allele frequency data from public databases allowed determination this variant is unlikely to cause disease. Therefore, this variant is classified as likely benign.

GeneDx
Classification: Benign. Last evaluated: 2014-04-28. Review status: criteria provided, single submitter. Criteria: GeneDx Variant Classification (06012015). Collection method: clinical testing. Allele origin: germline. Affected: yes.
Comment: This variant is considered likely benign or benign based on one or more of the following criteria: it is a conservative change, it occurs at a poorly conserved position in the protein, it is predicted to be benign by multiple in silico algorithms, and/or has population frequency not consistent with disease.

Breakthrough Genomics
Classification: Likely benign. Review status: criteria provided, single submitter. Criteria: ACMG Guidelines, 2015. Collection method: not provided. Allele origin: germline. Inheritance: Autosomal recessive inheritance. Affected: yes.

PreventionGenetics, part of Exact Sciences
Classification: Benign. Review status: criteria provided, single submitter. Criteria: ACMG Guidelines, 2015. Collection method: clinical testing. Allele origin: germline.

OMIM
Classification: Pathogenic for IMMUNODEFICIENCY 35. Last evaluated: 2021-04-26. Review status: no assertion criteria provided. Collection method: literature only. Allele origin: germline. Not counted in ClinVar's aggregate classification.

Genome Diagnostics Laboratory, University Medical Center Utrecht
Classification: Likely benign. Review status: no assertion criteria provided. Collection method: clinical testing. Allele origin: germline. Affected: yes. Study: VKGL Data-share Consensus. Not counted in ClinVar's aggregate classification.

Joint Genome Diagnostic Labs from Nijmegen and Maastricht, Radboudumc and MUMC+
Classification: Benign. Review status: no assertion criteria provided. Collection method: clinical testing. Allele origin: germline. Affected: yes. Study: VKGL Data-share Consensus. Not counted in ClinVar's aggregate classification.

Literature cited by the submitters: PubMed 27807284 (cited by Mayo Clinic Laboratories, Mayo Clinic); PubMed 30578352 (cited by OMIM); PubMed 33667394 (cited by OMIM).